The following is an entry in ClinVar:

NM_001478.5(B4GALNT1):c.1478C>G (p.Ser493Ter)

Gene: B4GALNT1 (beta-1,4-N-acetyl-galactosaminyltransferase 1; minus strand). Cytogenetic location: 12q13.3.
Variant type: single nucleotide variant.
Coding change: c.1478C>G on transcript NM_001478.5 (MANE Select); coding-DNA position 1478, C replaced by G.
Protein change: p.Ser493Ter; replaces serine 493 with a stop codon.
Molecular consequence: nonsense.
Genome position (GRCh38, 1-based): chr12:57,626,868, G>C on the plus strand (C>G on the coding strand, the complement: B4GALNT1 is on the minus strand). VCF-style: chr12-57626868-G-C. GRCh37 (hg19) VCF-style: chr12-58020651-G-C.
Other names: c.1313C>G, p.Ser438Ter (NM_001276468.2, NM_001413978.1); c.1646C>G, p.Ser549Ter (NM_001413967.1); c.1613C>G, p.Ser538Ter (NM_001413968.1, NM_001413969.1); c.1511C>G, p.Ser504Ter (NM_001413970.1, NM_001413971.1, NM_001413972.1); c.1478C>G, p.Ser493Ter (NM_001413973.1, NM_001413974.1); c.1379C>G, p.Ser460Ter (NM_001413977.1); c.626C>G, p.Ser209Ter (NM_001413981.1); c.524C>G, p.Ser175Ter (NM_001413982.1); and 1 more; short protein forms S460*, S538*, S549*, S175*, S493*, S504*, S438*, S164*.
Identifiers: ClinVar variation 2110770 (VCV002110770.4), dbSNP rs1269140893, ClinGen allele CA385492482.

ClinVar aggregate classification (germline): Pathogenic (1 of 4 stars; one submission).

Conditions:
Spastic paraplegia. Identifiers: MedGen C0037772, HP:0001258.

Allele frequency attached by ClinVar (database versions not stated): gnomAD 0.00001; TOPMed 0.00001.
gnomAD v4.1: 2 of 1,614,070 alleles (0.00012%); highest among the groups gnomAD compares: Non-Finnish European, 0.00017%; no homozygotes.

Submission:

Labcorp Genetics (formerly Invitae), Labcorp
Classification: Pathogenic for Spastic paraplegia. Last evaluated: 2022-09-20. Review status: criteria provided, single submitter. Criteria: Invitae Variant Classification Sherloc (09022015). Collection method: clinical testing. Allele origin: germline.
Comment: For these reasons, this variant has been classified as Pathogenic. This variant disrupts a region of the B4GALNT1 protein in which other variant(s) (p.Arg505His) have been determined to be pathogenic (PMID: 24103911, 30521973). This suggests that this is a clinically significant region of the protein, and that variants that disrupt it are likely to be disease-causing. This variant has not been reported in the literature in individuals affected with B4GALNT1-related conditions. This variant is not present in population databases (gnomAD no frequency). This sequence change creates a premature translational stop signal (p.Ser493*) in the B4GALNT1 gene. While this is not anticipated to result in nonsense mediated decay, it is expected to disrupt the last 41 amino acid(s) of the B4GALNT1 protein.

Literature cited by the submitters: PubMed 24103911; PubMed 30521973.